The following is an entry in ClinVar:

NM_014679.5(CEP57):c.1415A>G (p.Glu472Gly)

Gene: CEP57 (centrosomal protein 57; plus strand). Cytogenetic location: 11q21.
Variant type: single nucleotide variant.
Coding change: c.1415A>G on transcript NM_014679.5 (MANE Select); coding-DNA position 1415, A replaced by G.
Protein change: p.Glu472Gly; replaces glutamic acid 472 with glycine.
Molecular consequence: missense variant.
Genome position (GRCh38, 1-based): chr11:95,831,168, A>G. VCF-style: chr11-95831168-A-G. GRCh37 (hg19) VCF-style: chr11-95564332-A-G.
Other names: c.1388A>G, p.Glu463Gly (NM_001243776.2); c.1337A>G, p.Glu446Gly (NM_001243777.2); c.1334A>G, p.Glu445Gly (NM_001363604.2); c.1415A>G (NM_014679.4); short protein forms E463G, E472G, E446G, E445G.
Identifiers: ClinVar variation 1498292 (VCV001498292.9), dbSNP rs554513774, ClinGen allele CA6239790.

ClinVar aggregate classification (germline): Uncertain significance. Review status: criteria provided, multiple submitters, no conflicts (2 of 4 stars). 2 submissions from 2 submitters: Uncertain significance (2). Last evaluated 2025-01-03.

Conditions:
Mosaic variegated aneuploidy syndrome 2 (MVA2). Identifiers: Orphanet 1052, MedGen C3279843, MONDO:0013582, OMIM 614114.
Inborn genetic diseases. Identifiers: MedGen C0950123, MeSH D030342.

Allele frequency attached by ClinVar (database versions not stated): gnomAD 0.00001; gnomAD exomes 0.00001 and 0.00002; ExAC 0.00002; 1000 Genomes Project 30x 0.00016; 1000 Genomes Project 0.00020.
gnomAD v4.1: 13 of 1,613,302 alleles (0.00081%); highest among the groups gnomAD compares: South Asian, 0.013%; no homozygotes.

Submissions (2):

Ambry Genetics
Classification: Uncertain significance for Inborn genetic diseases. Last evaluated: 2025-01-03. Review status: criteria provided, single submitter. Criteria: Ambry Variant Classification Scheme 2023. Collection method: clinical testing. Allele origin: germline.
Comment: The p.E472G variant (also known as c.1415A>G), located in coding exon 11 of the CEP57 gene, results from an A to G substitution at nucleotide position 1415. The glutamic acid at codon 472 is replaced by glycine, an amino acid with similar properties. This amino acid position is conserved. In addition, this alteration is predicted to be tolerated by in silico analysis. Based on the available evidence, the clinical significance of this variant remains unclear.

Labcorp Genetics (formerly Invitae), Labcorp
Classification: Uncertain significance for Mosaic variegated aneuploidy syndrome 2. Last evaluated: 2020-11-21. Review status: criteria provided, single submitter. Criteria: Invitae Variant Classification Sherloc (09022015). Collection method: clinical testing. Allele origin: germline.
Comment: This variant is present in population databases (rs554513774, ExAC 0.02%). This sequence change replaces glutamic acid with glycine at codon 472 of the CEP57 protein (p.Glu472Gly). The glutamic acid residue is highly conserved and there is a moderate physicochemical difference between glutamic acid and glycine. This variant has not been reported in the literature in individuals with CEP57-related conditions. In summary, the available evidence is currently insufficient to determine the role of this variant in disease. Therefore, it has been classified as a Variant of Uncertain Significance. Algorithms developed to predict the effect of missense changes on protein structure and function are either unavailable or do not agree on the potential impact of this missense change (SIFT: "Deleterious"; PolyPhen-2: "Benign"; Align-GVGD: "Class C15").